The following is an entry in ClinVar:

NM_000293.3(PHKB):c.3144+34del

Gene: PHKB (phosphorylase kinase regulatory subunit beta; plus strand). Cytogenetic location: 16q12.1.
Variant type: Deletion.
Coding change: c.3144+34del on transcript NM_000293.3 (MANE Select); 34 bases into the intron after coding-DNA position 3144, one base deleted (T; older notation c.3144+34delT).
Molecular consequence: intron variant.
Genome position (GRCh38, 1-based): chr16:47,698,622, T deleted; the last of 21 consecutive T bases (chr16:47,698,602-47,698,622); deleting any one gives the same sequence. VCF-style (leftmost placement, unchanged base first): chr16-47698601-CT-C. GRCh37 (hg19) VCF-style: chr16-47732512-CT-C.
Other names: p.?; c.3144+34del (NM_001363837.1); c.3123+34del (NM_001031835.3).
Identifiers: ClinVar variation 1327350 (VCV001327350.7), dbSNP rs5816579, ClinGen allele CA8041449.
Genomic context (GRCh38, chr16:47,698,601, plus strand): 5'-AATGAATTTCAAAAAGATCAGAGTCGGCTAAAGGAAATTGAAAAACAAGTAAGTACACAG[CT>C]TTTTTTTTTTTTTTTTTTTTGAGAATTTTTTCATTGTCTCAATTCTTTAAAATATCCCTA-3'

ClinVar aggregate classification (germline): Benign/Likely benign. Review status: criteria provided, multiple submitters, no conflicts (2 of 4 stars). 4 submissions from 4 submitters: Benign (1); Likely benign (3). Last evaluated 2025-10-20.

Conditions:
Glycogen storage disease IXb (GSD9B). Also called: GLYCOGENOSIS OF LIVER AND MUSCLE, AUTOSOMAL RECESSIVE; GSD IXb; PHOSPHORYLASE KINASE DEFICIENCY OF LIVER AND MUSCLE, AUTOSOMAL RECESSIVE. Identifiers: Orphanet 79240, MedGen C0543514, MONDO:0009868, OMIM 261750.

Submissions (4):

Mayo Clinic Laboratories, Mayo Clinic
Classification: Likely benign. Last evaluated: 2025-10-20. Review status: criteria provided, single submitter. Criteria: ACMG Guidelines, 2015. Collection method: clinical testing. Allele origin: germline. Observed: 3 variant alleles.
Comment: BA1, BP7

Blueprint Genetics
Classification: Likely benign. Last evaluated: 2024-11-20. Review status: criteria provided, single submitter. Criteria: ACMG Guidelines, 2015. Collection method: clinical testing. Allele origin: germline.

Labcorp Genetics (formerly Invitae), Labcorp
Classification: Benign for Glycogen storage disease IXb. Last evaluated: 2023-04-02. Review status: criteria provided, single submitter. Criteria: Invitae Variant Classification Sherloc (09022015). Collection method: clinical testing. Allele origin: germline.

GeneDx
Classification: Likely benign. Last evaluated: 2021-06-04. Review status: criteria provided, single submitter. Criteria: GeneDx Variant Classification Process June 2021. Collection method: clinical testing. Allele origin: germline. Affected: yes.